The following is an entry in ClinVar:

ClinVar aggregate classification (germline): Uncertain significance (1 of 4 stars; one submission).

Submission:

Labcorp Genetics (formerly Invitae), Labcorp
Classification: Uncertain significance. Last evaluated: 2022-08-15. Review status: criteria provided, single submitter. Criteria: Invitae Variant Classification Sherloc (09022015). Collection method: clinical testing. Allele origin: germline.
Comment: In summary, the available evidence is currently insufficient to determine the role of this variant in disease. Therefore, it has been classified as a Variant of Uncertain Significance. Algorithms developed to predict the effect of missense changes on protein structure and function (SIFT, PolyPhen-2, Align-GVGD) all suggest that this variant is likely to be tolerated. This variant has not been reported in the literature in individuals affected with DMXL2-related conditions. This variant is not present in population databases (gnomAD no frequency). This sequence change replaces aspartic acid, which is acidic and polar, with glycine, which is neutral and non-polar, at codon 190 of the DMXL2 protein (p.Asp190Gly).

NM_001378457.1(DMXL2):c.569A>G (p.Asp190Gly)

Gene: DMXL2 (Dmx like 2; minus strand). Cytogenetic location: 15q21.2.
Variant type: single nucleotide variant.
Coding change: c.569A>G on transcript NM_001378457.1 (MANE Select); coding-DNA position 569, A replaced by G.
Protein change: p.Asp190Gly; replaces aspartic acid 190 with glycine.
Molecular consequence: missense variant. On other transcripts: non-coding transcript variant (2).
Genome position (GRCh38, 1-based): chr15:51,547,407, T>C on the plus strand (A>G on the coding strand, the complement: DMXL2 is on the minus strand). VCF-style: chr15-51547407-T-C. GRCh37 (hg19) VCF-style: chr15-51839604-T-C.
Other names: c.569A>G, p.Asp190Gly (NM_001174116.3, NM_001174117.3, NM_001378458.1 and 7 more transcripts); short protein forms D190G.
Identifiers: ClinVar variation 2105269 (VCV002105269.4), dbSNP rs2548643233, ClinGen allele CA392469622.